The following is an entry in ClinVar:

ClinVar aggregate classification (germline): Benign/Likely benign. Review status: criteria provided, multiple submitters, no conflicts (2 of 4 stars). 8 submissions from 8 submitters: Benign (2); Likely benign (2). 4 of the submissions do not count toward it. Last evaluated 2025-11-01.

Conditions:
SETD2-related disorder.
Luscan-Lumish syndrome. Identifiers: Orphanet 597738, MedGen C4085873, MONDO:0014791, OMIM 616831.

Allele frequency attached by ClinVar (database versions not stated): 1000 Genomes Project 30x 0.00281; 1000 Genomes Project 0.00319; gnomAD 0.00003 and 0.00046; TOPMed 0.00009; gnomAD exomes 0.00081 and 0.00172; ExAC 0.00182.
gnomAD v4.1: 1,255 of 1,613,894 alleles (0.078%); highest among the groups gnomAD compares: South Asian, 1.3%; 10 homozygotes.

Submissions (8):

CeGaT Center for Human Genetics Tuebingen
Classification: Likely benign. Last evaluated: 2025-11-01. Review status: criteria provided, single submitter. Criteria: CeGaT Center For Human Genetics Tuebingen Variant Classification Criteria Version 2. Collection method: clinical testing. Allele origin: germline. Affected: yes. Observed: 3 variant alleles.
Comment: SETD2: BP4, BS1

Athena Diagnostics
Classification: Benign. Last evaluated: 2025-10-01. Review status: criteria provided, single submitter. Criteria: Athena Diagnostics Criteria. Collection method: clinical testing. Allele origin: unknown.
Comment: The frequency of this variant in the general population is higher than would generally be expected for pathogenic variants in this gene. Computational tools predict this amino acid change may be benign.

Labcorp Genetics (formerly Invitae), Labcorp
Classification: Benign for Luscan-Lumish syndrome. Last evaluated: 2025-02-24. Review status: criteria provided, single submitter. Criteria: Invitae Variant Classification Sherloc (09022015). Collection method: clinical testing. Allele origin: germline.

Blueprint Genetics
Classification: Likely benign. Last evaluated: 2024-10-23. Review status: criteria provided, single submitter. Criteria: ACMG Guidelines, 2015. Collection method: clinical testing. Allele origin: germline.

PreventionGenetics, part of Exact Sciences
Classification: Benign for SETD2-related condition. Last evaluated: 2020-07-31. Review status: no assertion criteria provided. Collection method: clinical testing. Allele origin: germline. Not counted in ClinVar's aggregate classification.
Comment: This variant is classified as benign based on ACMG/AMP sequence variant interpretation guidelines (Richards et al. 2015 PMID: 25741868, with internal and published modifications).

ITMI
No classification provided. Condition: AllHighlyPenetrant. Last evaluated: 2013-09-19. Review status: no classification provided. Collection method: reference population. Allele origin: germline. Not counted in ClinVar's aggregate classification.
Comment: Please see associated publication for description of ethnicities

Clinical Genetics DNA and cytogenetics Diagnostics Lab, Erasmus MC, Erasmus Medical Center
Classification: Benign. Review status: no assertion criteria provided. Collection method: clinical testing. Allele origin: germline. Affected: yes. Study: VKGL Data-share Consensus. Not counted in ClinVar's aggregate classification.

Laboratory of Diagnostic Genome Analysis, Leiden University Medical Center (LUMC)
Classification: Likely benign. Review status: no assertion criteria provided. Collection method: clinical testing. Allele origin: germline. Affected: yes. Study: VKGL Data-share Consensus. Not counted in ClinVar's aggregate classification.

Literature cited by the submitters: PubMed 24728327 (cited by ITMI).

NM_014159.7(SETD2):c.2603A>G (p.Asp868Gly)

Gene: SETD2 (SET domain containing 2, histone lysine methyltransferase; minus strand). Cytogenetic location: 3p21.31.
Variant type: single nucleotide variant.
Coding change: c.2603A>G on transcript NM_014159.7 (MANE Select); coding-DNA position 2603, A replaced by G.
Protein change: p.Asp868Gly; replaces aspartic acid 868 with glycine.
Molecular consequence: missense variant. On other transcripts: non-coding transcript variant (1).
Genome position (GRCh38, 1-based): chr3:47,122,033, T>C on the plus strand (A>G on the coding strand, the complement: SETD2 is on the minus strand). VCF-style: chr3-47122033-T-C. GRCh37 (hg19) VCF-style: chr3-47163523-T-C.
Other names: c.2471A>G, p.Asp824Gly (NM_001349370.3); short protein forms D868G, D824G.
Identifiers: ClinVar variation 135214 (VCV000135214.38), dbSNP rs201752182, ClinGen allele CA162035.